The following is an entry in ClinVar:

NM_000875.5(IGF1R):c.2792A>G (p.Glu931Gly)

Gene: IGF1R (insulin like growth factor 1 receptor; plus strand). Cytogenetic location: 15q26.3.
Variant type: single nucleotide variant.
Coding change: c.2792A>G on transcript NM_000875.5 (MANE Select); coding-DNA position 2792, A replaced by G.
Protein change: p.Glu931Gly; replaces glutamic acid 931 with glycine.
Molecular consequence: missense variant.
Genome position (GRCh38, 1-based): chr15:98,929,567, A>G. VCF-style: chr15-98929567-A-G. GRCh37 (hg19) VCF-style: chr15-99472796-A-G.
Other names: c.2789A>G, p.Glu930Gly (NM_001291858.2); short protein forms E930G, E931G.
Identifiers: ClinVar variation 3026870 (VCV003026870.22), dbSNP rs2151701322, ClinGen allele CA393682737.

ClinVar aggregate classification (germline): Uncertain significance (1 of 4 stars; one submission).

Submission:

CeGaT Center for Human Genetics Tuebingen
Classification: Uncertain significance. Last evaluated: 2024-01-01. Review status: criteria provided, single submitter. Criteria: CeGaT Center For Human Genetics Tuebingen Variant Classification Criteria Version 2. Collection method: clinical testing. Allele origin: germline. Affected: yes. Observed: 1 variant allele.
Comment: IGF1R: PM2, BP4